The following is an entry in ClinVar:

ClinVar aggregate classification (germline): Likely benign. Review status: criteria provided, single submitter (1 of 4 stars). 2 submissions from 2 submitters: Likely benign (1). 1 of the submissions does not count toward it. Last evaluated 2025-02-10.

Conditions:
SLC34A3-related disorder. Also called: SLC34A3-related condition.

Allele frequency attached by ClinVar (database versions not stated): gnomAD exomes 0.00003; ExAC 0.00006; gnomAD 0.00006; TOPMed 0.00009.
gnomAD v4.1: 55 of 1,602,456 alleles (0.0034%); highest among the groups gnomAD compares: African/African-American, 0.027%; no homozygotes.

Submissions (2):

Labcorp Genetics (formerly Invitae), Labcorp
Classification: Likely benign. Last evaluated: 2025-02-10. Review status: criteria provided, single submitter. Criteria: Invitae Variant Classification Sherloc (09022015). Collection method: clinical testing. Allele origin: germline.

PreventionGenetics, part of Exact Sciences
Classification: Likely benign for SLC34A3-related condition. Last evaluated: 2019-04-25. Review status: no assertion criteria provided. Collection method: clinical testing. Allele origin: germline. Not counted in ClinVar's aggregate classification.
Comment: This variant is classified as likely benign based on ACMG/AMP sequence variant interpretation guidelines (Richards et al. 2015 PMID: 25741868, with internal and published modifications).

NM_001177316.2(SLC34A3):c.1161C>T (p.Phe387=)

Gene: SLC34A3 (solute carrier family 34 member 3; plus strand). Cytogenetic location: 9q34.3.
Variant type: single nucleotide variant.
Coding change: c.1161C>T on transcript NM_001177316.2 (MANE Select); coding-DNA position 1161, C replaced by T.
Protein change: p.Phe387=; no amino-acid change (phenylalanine 387 retained).
Molecular consequence: synonymous variant.
Genome position (GRCh38, 1-based): chr9:137,234,483, C>T. VCF-style: chr9-137234483-C-T. GRCh37 (hg19) VCF-style: chr9-140128935-C-T.
Other names: c.1161C>T (NM_080877.2); c.1161C>T, p.Phe387= (NM_001177317.2, NM_080877.3).
Identifiers: ClinVar variation 1898701 (VCV001898701.7), dbSNP rs769447120, ClinGen allele CA5364817.